The following is an entry in ClinVar:

NM_018180.3(DHX32):c.2222C>T (p.Thr741Ile)

Genes: BCCIP (BRCA2 and CDKN1A interacting protein; plus strand), DHX32 (DEAH-box helicase 32 (putative); minus strand). Cytogenetic location: 10q26.2.
Variant type: single nucleotide variant.
Coding change: c.2222C>T on transcript NM_018180.3 (MANE Select); coding-DNA position 2222, C replaced by T.
Protein change: p.Thr741Ile; replaces threonine 741 with isoleucine.
Molecular consequence: missense variant. On other transcripts: intron variant (2).
Genome position (GRCh38, 1-based): chr10:125,836,697, G>A on the plus strand (C>T on the coding strand, the complement: DHX32 is on the minus strand). VCF-style: chr10-125836697-G-A. GRCh37 (hg19) VCF-style: chr10-127525266-G-A.
Other names: c.774+2751G>A (NM_016567.4, NM_078469.3); short protein forms T741I.
Identifiers: ClinVar variation 3718756 (VCV003718756.2).

ClinVar aggregate classification (germline): Uncertain significance (1 of 4 stars; one submission).

gnomAD v4.1: 58 of 1,614,132 alleles (0.0036%); highest among the groups gnomAD compares: East Asian, 0.13%; no homozygotes.

Submission:

Labcorp Genetics (formerly Invitae), Labcorp
Classification: Uncertain significance. Last evaluated: 2024-03-12. Review status: criteria provided, single submitter. Criteria: Invitae Variant Classification Sherloc (09022015). Collection method: clinical testing. Allele origin: germline.
Comment: This sequence change replaces threonine, which is neutral and polar, with isoleucine, which is neutral and non-polar, at codon 741 of the DHX32 protein (p.Thr741Ile). This variant is present in population databases (rs374910849, gnomAD 0.06%). This variant has not been reported in the literature in individuals affected with DHX32-related conditions. An algorithm developed to predict the effect of missense changes on protein structure and function (PolyPhen-2) suggests that this variant is likely to be tolerated. In summary, the available evidence is currently insufficient to determine the role of this variant in disease. Therefore, it has been classified as a Variant of Uncertain Significance.